The following is an entry in ClinVar:

ClinVar aggregate classification (germline): Uncertain significance (1 of 4 stars; one submission).

Conditions:
Atrial fibrillation, familial, 7 (ATFB7). Identifiers: MedGen C2677106, MONDO:0012828, OMIM 612240.

Submission:

Labcorp Genetics (formerly Invitae), Labcorp
Classification: Uncertain significance for Atrial fibrillation, familial, 7. Last evaluated: 2023-04-26. Review status: criteria provided, single submitter. Criteria: Invitae Variant Classification Sherloc (09022015). Collection method: clinical testing. Allele origin: germline.
Comment: In summary, the available evidence is currently insufficient to determine the role of this variant in disease. Therefore, it has been classified as a Variant of Uncertain Significance. An algorithm developed to predict the effect of missense changes on protein structure and function (PolyPhen-2) suggests that this variant is likely to be tolerated. This variant has not been reported in the literature in individuals affected with KCNA5-related conditions. This variant is not present in population databases (gnomAD no frequency). This sequence change replaces glycine, which is neutral and non-polar, with glutamic acid, which is acidic and polar, at codon 53 of the KCNA5 protein (p.Gly53Glu).

NM_002234.4(KCNA5):c.158G>A (p.Gly53Glu)

Gene: KCNA5 (potassium voltage-gated channel subfamily A member 5; plus strand). Cytogenetic location: 12p13.32.
Variant type: single nucleotide variant.
Coding change: c.158G>A on transcript NM_002234.4 (MANE Select); coding-DNA position 158, G replaced by A.
Protein change: p.Gly53Glu; replaces glycine 53 with glutamic acid.
Molecular consequence: missense variant.
Genome position (GRCh38, 1-based): chr12:5,044,305, G>A. VCF-style: chr12-5044305-G-A. GRCh37 (hg19) VCF-style: chr12-5153471-G-A.
Other names: short protein forms G53E.
Identifiers: ClinVar variation 2713568 (VCV002713568.3), dbSNP rs776218588, ClinGen allele CA383462011.